The following is an entry in ClinVar:

NM_007294.4(BRCA1):c.191G>A (p.Cys64Tyr)

Gene: BRCA1 (BRCA1 DNA repair associated; minus strand). Cytogenetic location: 17q21.31.
Variant type: single nucleotide variant.
Coding change: c.191G>A on transcript NM_007294.4 (MANE Select); coding-DNA position 191, G replaced by A.
Protein change: p.Cys64Tyr; replaces cysteine 64 with tyrosine.
Molecular consequence: missense variant.
Genome position (GRCh38, 1-based): chr17:43,106,477, C>T on the plus strand (G>A on the coding strand, the complement: BRCA1 is on the minus strand). VCF-style: chr17-43106477-C-T. GRCh37 (hg19) VCF-style: chr17-41258494-C-T.
Other names: NP_009225.1:p.Cys64Tyr; NM_007294.4(BRCA1):c.191G>A; 310G>A; c.191G>A, p.Cys64Tyr (NM_001407677.1, NM_001407678.1, NM_001407679.1 and 168 more transcripts); c.50G>A, p.Cys17Tyr (NM_001407692.1, NM_001407694.1, NM_001407695.1 and 99 more transcripts); c.191G>A (NM_007300.3); short protein forms C64Y, C17Y.
Identifiers: ClinVar variation 54400 (VCV000054400.93), dbSNP rs55851803, ClinGen allele CA001262.

ClinVar aggregate classification (germline): Pathogenic. Review status: reviewed by expert panel (3 of 4 stars). 30 submissions from 30 submitters: Pathogenic (1). 29 of the submissions do not count toward it. Last evaluated 2024-06-11.

Conditions:
BRCA1-related cancer predisposition. Identifiers: MedGen CN377757, MONDO:0700268.
Inherited prostate cancer.
BRCA1-related disorder. Also called: BRCA1-related condition.
Hereditary cancer-predisposing syndrome. Also called: Hereditary Cancer Syndrome; Tumor predisposition; Neoplastic Syndromes, Hereditary; Hereditary neoplastic syndrome. Identifiers: Orphanet 140162, MedGen C0027672, MeSH D009386, MONDO:0015356.
Pancreatic cancer, susceptibility to, 4. Identifiers: Orphanet 1333, MedGen C3280442, MONDO:0013685, OMIM 614320.
Hereditary breast ovarian cancer syndrome. Also called: Breast and ovarian cancer; BRCA1- and BRCA2-Associated Hereditary Breast and Ovarian Cancer; Hereditary breast and ovarian cancer; Hereditary breast and ovarian cancer syndrome (HBOC); Hereditary breast and ovarian cancer syndrome; Hereditary breast and/or ovarian cancer syndrome. Identifiers: Orphanet 145, MedGen C0677776, MeSH D061325, MONDO:0003582. Disease mechanism: loss of function.
Breast-ovarian cancer, familial, susceptibility to, 1 (BROVCA1). Also called: BRCA1 Hereditary Breast and Ovarian Cancer; OVARIAN CANCER, SUSCEPTIBILITY TO. Identifiers: Orphanet 145, MedGen C2676676, MONDO:0011450, OMIM 604370. Disease mechanism: loss of function.

Allele frequency attached by ClinVar (database versions not stated): gnomAD exomes below 0.00001; TOPMed below 0.00001.
gnomAD v4.1: 2 of 1,601,934 alleles (0.00012%); highest among the groups gnomAD compares: Non-Finnish European, 0.000085%; no homozygotes.

Submissions 1 to 7 of 31:

ClinGen ENIGMA BRCA1 and BRCA2 Variant Curation Expert Panel, ClinGen
Classification: Pathogenic for BRCA1-related cancer predisposition. Last evaluated: 2024-06-11. Review status: reviewed by expert panel. Criteria: CSpec BRCA1/2ACMG Rules Specifications V1.0. Collection method: curation. Allele origin: germline. Inheritance: Autosomal dominant inheritance.
Comment: The c.191G>A variant in BRCA1 is a missense variant predicted to cause substitution of Cysteine by Tyrosine at amino acid 64 (p.Cys64Tyr). This variant is absent from gnomAD v2.1 (exomes only, non-cancer subset, read depth >=25) and gnomAD v3.1 (non-cancer subset, read depth >=25) (PM2_Supporting met). This BRCA1 missense variant is within a key functional domain and the computational predictor BayesDel (noAF) gives a score of 0.557, above the recommended threshold of 0.28 for prediction of impact on BRCA1 function via protein change. SpliceAI predictor score of 0.00 suggests that the variant has no impact on splicing (score threshold <0.10) (PP3 met). Reported by one calibrated study to exhibit protein function similar to pathogenic control variants (PMID: 30209399) (PS3 met). Multifactorial likelihood ratio analysis using clinically calibrated data produced a combined LR for this variant of 17239845573264 (based on Cosegregation LR=5300394; Pathology LR=189; Family History LR=17201), above the threshold for Very strong evidence towards pathogenicity (>350) (PP4_Very strong met; PMID: 31131967, 31853058). In summary, this variant meets the criteria to be classified as a Pathogenic variant for BRCA1-related cancer predisposition based on the ACMG/AMP criteria applied as specified by the ENIGMA BRCA1/2 VCEP (PM2_Supporting, PP3, PS3, PP4_Very strong).

Labcorp Genetics (formerly Invitae), Labcorp
Classification: Pathogenic for Hereditary breast ovarian cancer syndrome. Last evaluated: 2026-01-20. Review status: criteria provided, single submitter. Criteria: Invitae Variant Classification Sherloc (09022015). Collection method: clinical testing. Allele origin: germline. Not counted in ClinVar's aggregate classification.
Comment: This sequence change replaces cysteine, which is neutral and slightly polar, with tyrosine, which is neutral and polar, at codon 64 of the BRCA1 protein (p.Cys64Tyr). This variant is not present in population databases (gnomAD no frequency). This missense change has been observed in individual(s) with hereditary breast and ovarian cancer and breast and/or ovarian cancer (PMID: 15131401, 18489799, 19949876, 22034289, 23397983, 25085752). It has also been observed to segregate with disease in related individuals. ClinVar contains an entry for this variant (Variation ID: 54400). Invitae Evidence Modeling incorporating data from in vitro experimental studies (PMID: 30209399) indicates that this missense variant is expected to disrupt BRCA1 function with a positive predictive value of 95%. Experimental studies have shown that this missense change affects BRCA1 function (PMID: 7894491, 8944023, 11320250, 11526114, 19287957, 23161852, 24516540). RNA analysis performed to evaluate the impact of this missense change on mRNA splicing indicates it does not significantly alter splicing (internal data). This variant disrupts the p.Cys64 amino acid residue in BRCA1. Other variant(s) that disrupt this residue have been determined to be pathogenic (PMID: 8944023, 11526114). This suggests that this residue is clinically significant, and that variants that disrupt this residue are likely to be disease-causing. For these reasons, this variant has been classified as Pathogenic.

Cambridge Genomics Laboratory, East Genomic Laboratory Hub, NHS Genomic Medicine Service
Classification: Pathogenic for Inherited prostate cancer. Last evaluated: 2025-10-16. Review status: criteria provided, single submitter. Criteria: ACGS Best Practice Guidelines for Variant Classification in Rare Disease 2020. Collection method: clinical testing. Allele origin: germline. Affected: yes. Not counted in ClinVar's aggregate classification.
Comment: PS3,PM2_Supporting,PP3,PP4_Very Strong

Dasa
Classification: Pathogenic for Breast-ovarian cancer, familial, susceptibility to, 1. Last evaluated: 2025-08-28. Review status: criteria provided, single submitter. Criteria: DASA Assertion Criteria. Collection method: clinical testing. Allele origin: germline. Not counted in ClinVar's aggregate classification.
Comment: NM_007294.4(BRCA1):c.191G>A (p.Cys64Tyr) is a missense variant that results in the substitution of cysteine with tyrosine. Functional evidence supports a deleterious effect on the gene or gene product (PMID: 30209399). This variant has been reported in individuals with Breast-ovarian cancer, familial, susceptibility to, 1 (PMID: 30209399). Multiple computational predictions support a deleterious effect on the gene or gene product. The variant is present at low frequency in population datasets. Based on the available data, this variant is classified as pathogenic.

Quest Diagnostics Nichols Institute San Juan Capistrano
Classification: Pathogenic. Last evaluated: 2025-04-21. Review status: criteria provided, single submitter. Criteria: Quest Diagnostics criteria. Collection method: clinical testing. Allele origin: unknown. Not counted in ClinVar's aggregate classification.
Comment: The BRCA1 c.191G>A (p.Cys64Tyr) variant has been reported in the published literature in individuals with hereditary breast and ovarian cancer (PMIDs: 8807330 (1996), 15131401 (2004), 18489799 (2008), 19949876 (2010), 22034289 (2012), 23397983 (2014), 37851290 (2024)) and pancreatic cancer (PMID: 32073954 (2020)). Multiple functional studies have demonstrated that this variant has a damaging effect on BRCA1 protein function (PMIDs: 8944023 (1996), 11320250 (2001), 15131401 (2004), 22034289 (2012), 23397983 (2014), 25823446 (2015), 27272900 (2016), 30209399 (2018)), and this variant was reported as pathogenic in a multifactorial likelihood study (PMID: 31131967 (2019)). This variant has not been reported in large, multi-ethnic general populations (Genome Aggregation Database). Analysis of this variant using bioinformatics tools for the prediction of the effect of amino acid changes on protein structure and function yielded predictions that this variant is damaging. Based on the available information, this variant is classified as pathogenic.

Center for Genomic Medicine, Rigshospitalet, Copenhagen University Hospital
Classification: Pathogenic. Last evaluated: 2025-03-04. Review status: criteria provided, single submitter. Criteria: ACMG Guidelines, 2015. Collection method: clinical testing. Allele origin: germline. Not counted in ClinVar's aggregate classification.

Ambry Genetics
Classification: Pathogenic for Hereditary cancer-predisposing syndrome. Last evaluated: 2024-09-09. Review status: criteria provided, single submitter. Criteria: Ambry Variant Classification Scheme 2023. Collection method: clinical testing. Allele origin: germline. Not counted in ClinVar's aggregate classification.
Comment: The p.C64Y pathogenic mutation (also known as c.191G>A), located in coding exon 3 of the BRCA1 gene, results from a G to A substitution at nucleotide position 191. The cysteine at codon 64 is replaced by tyrosine, an amino acid with highly dissimilar properties. The p.C64Y mutation has been detected in multiple families with hereditary breast and ovarian cancer (Shih H et al. Clin Cancer Res. 2000;6:4259-4264; Machackova E et al. BMC Cancer 2008;8:140; Stegel V et al. BMC Med. Genet. 2011;12:9; Zhang J et al. Breast Cancer Res. Treat. 2012 Jul;134(2):889-94; Krajc M et al. Clin. Genet. 2014 Jan; 85(1):59-63; Cvelbar M et al. Radiol Oncol. 2017 Jun;51:187-194; Arai M et al. J. Hum. Genet. 2018 Apr;63(4):447-457; Carter NJ et al. Gynecol Oncol. 2018 12;151:481-488). This alteration is located in the highly conserved 5' RING domain and has been shown to result in abolished ubiquitin protein ligase activity (Ruffner H et al.Proc Natl Acad Sci USA. 2001 Apr 24;98(9):5134-9). One functional study found that this nucleotide substitution is non-functional in a high-throughput, genome editing, haploid cell survival assay (Findlay GM et al. Nature. 2018 10;562:217-222). Additionally, another alteration impacting this codon, p.C64G, has been reported as pathogenic (Caleca L et al. PLoS One. 2014 Mar;9:e86924). This variant is considered to be rare based on population cohorts in the Genome Aggregation Database (gnomAD). This amino acid position is highly conserved in available vertebrate species. In addition, this alteration is predicted to be deleterious by in silico analysis. Based on the supporting evidence, this alteration is interpreted as a disease-causing mutation.